The following is an entry in ClinVar:

ClinVar aggregate classification (germline): Uncertain significance (1 of 4 stars; one submission).

Conditions:
Inborn genetic diseases. Identifiers: MedGen C0950123, MeSH D030342.

Submission:

Ambry Genetics
Classification: Uncertain significance for Inborn genetic diseases. Last evaluated: 2026-07-11. Review status: criteria provided, single submitter. Criteria: Ambry Variant Classification Scheme 2023. Collection method: clinical testing. Allele origin: germline.
Comment: The p.H247R variant (also known as c.740A>G), located in coding exon 7 of the USB1 gene, results from an A to G substitution at nucleotide position 740. The histidine at codon 247 is replaced by arginine, an amino acid with highly similar properties. This amino acid position is conserved. In addition, this alteration is predicted to be tolerated by in silico analysis. Based on the available evidence, the clinical significance of this variant remains unclear.

NM_024598.4(USB1):c.740A>G (p.His247Arg)

Gene: USB1 (U6 snRNA biogenesis phosphodiesterase 1; plus strand). Cytogenetic location: 16q21.
Variant type: single nucleotide variant.
Coding change: c.740A>G on transcript NM_024598.4 (MANE Select); coding-DNA position 740, A replaced by G.
Protein change: p.His247Arg; replaces histidine 247 with arginine.
Molecular consequence: missense variant.
Genome position (GRCh38, 1-based): chr16:58,020,187, A>G. VCF-style: chr16-58020187-A-G. GRCh37 (hg19) VCF-style: chr16-58054091-A-G.
Other names: c.686A>G, p.His229Arg (NM_001195302.2); c.587A>G, p.His196Arg (NM_001330568.2); short protein forms H247R, H229R, H196R.
Identifiers: ClinVar variation 5031610 (VCV005031610.1).
Genomic context (GRCh38, chr16:58,020,187, plus strand): 5'-GCTGCTGTTTTAAGGCAATCGTGGATGGGTTTGAAGATGCTGAGGTGCTGCTGCGCGTGC[A>G]CACTGAGCAAGTCCGCTGCAAGTCTGGGAACAAGTTCTTCTCGATGCCTTTGAAGTGAGC-3'
Protein context (NP_078874.2, residues 237-257): FEDAEVLLRV[His247Arg]TEQVRCKSGN